The following is an entry in ClinVar:

ClinVar aggregate classification (germline): Pathogenic. Review status: criteria provided, multiple submitters, no conflicts (2 of 4 stars). 2 submissions from 2 submitters: Pathogenic (2). Last evaluated 2023-12-13.

Conditions:
Hereditary nonpolyposis colorectal neoplasms. Identifiers: MedGen C0009405, MeSH D003123.
Lynch syndrome 5 (LYNCH5). Also called: Hereditary non-polyposis colorectal cancer, type 5; Colorectal cancer, hereditary nonpolyposis, type 5. Identifiers: Orphanet 144, MedGen C1833477, MONDO:0013710, OMIM 614350. Disease mechanism: loss of function.

Submissions (2):

Myriad Genetics, Inc.
Classification: Pathogenic for Lynch syndrome 5. Last evaluated: 2023-12-13. Review status: criteria provided, single submitter. Criteria: Myriad Autosomal Dominant, Autosomal Recessive and X-Linked Classification Criteria (2023). Collection method: clinical testing. Allele origin: unknown.
Comment: This variant is considered pathogenic. This variant creates a termination codon and is predicted to result in premature protein truncation.

Labcorp Genetics (formerly Invitae), Labcorp
Classification: Pathogenic for Hereditary nonpolyposis colon cancer. Last evaluated: 2018-12-10. Review status: criteria provided, single submitter. Criteria: Invitae Variant Classification Sherloc (09022015). Collection method: clinical testing. Allele origin: germline.
Comment: This sequence change creates a premature translational stop signal (p.Lys155*) in the MSH6 gene. It is expected to result in an absent or disrupted protein product. This variant is not present in population databases (ExAC no frequency). This variant has not been reported in the literature in individuals with MSH6-related conditions. Loss-of-function variants in MSH6 are known to be pathogenic (PMID: 18269114, 24362816). For these reasons, this variant has been classified as Pathogenic.

NM_000179.3(MSH6):c.463A>T (p.Lys155Ter)

Gene: MSH6 (mutS homolog 6; plus strand). Cytogenetic location: 2p16.3.
Variant type: single nucleotide variant.
Coding change: c.463A>T on transcript NM_000179.3 (MANE Select); coding-DNA position 463, A replaced by T.
Protein change: p.Lys155Ter; replaces lysine 155 with a stop codon.
Molecular consequence: nonsense. On other transcripts: 5 prime UTR variant (1), intron variant (2).
Genome position (GRCh38, 1-based): chr2:47,795,899, A>T. VCF-style: chr2-47795899-A-T. GRCh37 (hg19) VCF-style: chr2-48023038-A-T.
Other names: c.-440A>T (NM_001281494.2); c.-279-2712A>T (NM_001281493.2); c.238-2712A>T (NM_001281492.2); short protein forms K155*.
Identifiers: ClinVar variation 652462 (VCV000652462.2), dbSNP rs1276159036, ClinGen allele CA346738566.
Genomic context (GRCh38, chr2:47,795,899, plus strand): 5'-CAGGCGTGAGCCTCTGCACCCGGCCCTTATTGTTTATAAATACATTTCTTTCTAGGTTCA[A>T]AATCAAAGGAAGCCCAGAAGGGAGGTCATTTTTACAGTGCAAAGCCTGAAATACTGAGAG-3'